The following is an entry in ClinVar:

NM_000701.8(ATP1A1):c.2436G>C (p.Leu812Phe)

Genes: ATP1A1 (ATPase Na+/K+ transporting subunit alpha 1; plus strand), ATP1A1-AS1 (ATP1A1 antisense RNA 1; minus strand). Cytogenetic location: 1p13.1.
Variant type: single nucleotide variant.
Coding change: c.2436G>C on transcript NM_000701.8 (MANE Select); coding-DNA position 2436, G replaced by C.
Protein change: p.Leu812Phe; replaces leucine 812 with phenylalanine.
Molecular consequence: missense variant. On other transcripts: non-coding transcript variant (1).
Genome position (GRCh38, 1-based): chr1:116,399,072, G>C. VCF-style: chr1-116399072-G-C. GRCh37 (hg19) VCF-style: chr1-116941694-G-C.
Other names: c.2436G>C, p.Leu812Phe (NM_001160233.2); c.2343G>C, p.Leu781Phe (NM_001160234.2); short protein forms L812F, L781F.
Identifiers: ClinVar variation 3720086 (VCV003720086.2).

ClinVar aggregate classification (germline): Uncertain significance (1 of 4 stars; one submission).

Submission:

Labcorp Genetics (formerly Invitae), Labcorp
Classification: Uncertain significance. Last evaluated: 2024-11-28. Review status: criteria provided, single submitter. Criteria: Invitae Variant Classification Sherloc (09022015). Collection method: clinical testing. Allele origin: germline.
Comment: This sequence change replaces leucine, which is neutral and non-polar, with phenylalanine, which is neutral and non-polar, at codon 812 of the ATP1A1 protein (p.Leu812Phe). This variant is not present in population databases (gnomAD no frequency). This variant has not been reported in the literature in individuals affected with ATP1A1-related conditions. Invitae Evidence Modeling of protein sequence and biophysical properties (such as structural, functional, and spatial information, amino acid conservation, physicochemical variation, residue mobility, and thermodynamic stability) has been performed for this missense variant. However, the output from this modeling did not meet the statistical confidence thresholds required to predict the impact of this variant on ATP1A1 protein function. In summary, the available evidence is currently insufficient to determine the role of this variant in disease. Therefore, it has been classified as a Variant of Uncertain Significance.